The following is an entry in ClinVar:

ClinVar aggregate classification (germline): Uncertain significance (1 of 4 stars; one submission).

Allele frequency attached by ClinVar (database versions not stated): gnomAD exomes below 0.00001; ExAC 0.00001; gnomAD 0.00001.
gnomAD v4.1: 9 of 1,613,820 alleles (0.00056%); highest among the groups gnomAD compares: Middle Eastern, 0.016%; no homozygotes.

Submission:

Women's Health and Genetics/Laboratory Corporation of America, LabCorp
Classification: Uncertain significance. Last evaluated: 2022-04-05. Review status: criteria provided, single submitter. Criteria: LabCorp Variant Classification Summary - May 2015. Collection method: clinical testing. Allele origin: germline.
Comment: Variant summary: SLC12A1 c.595C>T (p.Arg199Cys) results in a non-conservative amino acid change located in the Amino acid permease domain (IPR004841) of the encoded protein sequence. Five of five in-silico tools predict a damaging effect of the variant on protein function. The variant allele was found at a frequency of 4e-06 in 251138 control chromosomes (gnomAD). The available data on variant occurrences in the general population are insufficient to allow any conclusion about variant significance. c.595C>T has been reported in the literature in at least one compound heterozygous individual affected with Bartter Syndrome (Ji_2008). These data do not allow any conclusion about variant significance. To our knowledge, no experimental evidence demonstrating an impact on protein function has been reported. No clinical diagnostic laboratories have submitted clinical-significance assessments for this variant to ClinVar after 2014. Based on the evidence outlined above, the variant was classified as uncertain significance.

Literature cited by the submitters: PubMed 18391953.

NM_000338.3(SLC12A1):c.595C>T (p.Arg199Cys)

Gene: SLC12A1 (solute carrier family 12 member 1; plus strand). Cytogenetic location: 15q21.1.
Variant type: single nucleotide variant.
Coding change: c.595C>T on transcript NM_000338.3 (MANE Select); coding-DNA position 595, C replaced by T.
Protein change: p.Arg199Cys; replaces arginine 199 with cysteine.
Molecular consequence: missense variant.
Genome position (GRCh38, 1-based): chr15:48,220,963, C>T. VCF-style: chr15-48220963-C-T. GRCh37 (hg19) VCF-style: chr15-48513160-C-T.
Other names: c.595C>T, p.Arg199Cys (NM_001184832.2, NM_001384136.1); short protein forms R199C.
Identifiers: ClinVar variation 1683241 (VCV001683241.2), dbSNP rs780448089, ClinGen allele CA7546812.
Genomic context (GRCh38, chr15:48,220,963, plus strand): 5'-TACCGCTTCTATCCACAGGTAAGATGCATGCTGAACATCTGGGGAGTCATGCTCTTCATT[C>T]GCCTCTCCTGGATTGTTGGAGAAGCTGGAATTGGTAAGCATTTTTCCCCTCCTAAATAAT-3'
Protein context (NP_000329.2, residues 189-209): LNIWGVMLFI[Arg199Cys]LSWIVGEAGI